The following is an entry in ClinVar:

ClinVar aggregate classification (germline): Likely benign (1 of 4 stars; one submission).

gnomAD v4.1: 1,865 of 1,577,506 alleles (0.12%); highest among the groups gnomAD compares: Middle Eastern, 0.91%; 9 homozygotes.

Submission:

CeGaT Center for Human Genetics Tuebingen
Classification: Likely benign. Last evaluated: 2026-03-01. Review status: criteria provided, single submitter. Criteria: CeGaT Center For Human Genetics Tuebingen Variant Classification Criteria Version 2. Collection method: clinical testing. Allele origin: germline. Affected: yes. Observed: 2 variant alleles.
Comment: HEATR3: BP4, BP7

NM_182922.4(HEATR3):c.1923A>T (p.Ile641=)

Gene: HEATR3 (HEAT repeat containing 3; plus strand). Cytogenetic location: 16q12.1.
Variant type: single nucleotide variant.
Coding change: c.1923A>T on transcript NM_182922.4 (MANE Select); coding-DNA position 1923, A replaced by T.
Protein change: p.Ile641=; no amino-acid change (isoleucine 641 retained).
Molecular consequence: synonymous variant. On other transcripts: non-coding transcript variant (2).
Genome position (GRCh38, 1-based): chr16:50,104,941, A>T. VCF-style: chr16-50104941-A-T. GRCh37 (hg19) VCF-style: chr16-50138852-A-T.
Other names: c.1572A>T, p.Ile524= (NM_001329729.2, NM_001329730.2); c.1230A>T, p.Ile410= (NM_001329731.2).
Identifiers: ClinVar variation 4280772 (VCV004280772.7).